The following is an entry in ClinVar:

ClinVar aggregate classification (germline): Uncertain significance (1 of 4 stars; one submission).

Conditions:
Familial thoracic aortic aneurysm and aortic dissection (TAAD). Also called: Thoracic aortic aneurysms and dissections. Identifiers: Orphanet 91387, MedGen C4707243, MONDO:0019625.

Submission:

Color Diagnostics, LLC DBA Color Health
Classification: Uncertain significance for Familial thoracic aortic aneurysm and aortic dissection. Last evaluated: 2024-04-07. Review status: criteria provided, single submitter. Criteria: ACMG Guidelines, 2015. Collection method: clinical testing. Allele origin: germline.
Comment: This missense variant replaces arginine with glycine at codon 313 of the TGFBR2 protein. Computational prediction is inconclusive regarding the impact of this variant on protein structure and function (internally defined REVEL score threshold 0.5 < inconclusive < 0.7, PMID: 27666373). To our knowledge, functional studies have not been reported for this variant. This variant has not been reported in individuals affected with TGFBR2-related disorders in the literature. This variant has not been identified in the general population by the Genome Aggregation Database (gnomAD). The available evidence is insufficient to determine the role of this variant in disease conclusively. Therefore, this variant is classified as a Variant of Uncertain Significance.

NM_003242.6(TGFBR2):c.937C>G (p.Arg313Gly)

Gene: TGFBR2 (transforming growth factor beta receptor 2; plus strand). Cytogenetic location: 3p24.1.
Variant type: single nucleotide variant.
Coding change: c.937C>G on transcript NM_003242.6 (MANE Select); coding-DNA position 937, C replaced by G.
Protein change: p.Arg313Gly; replaces arginine 313 with glycine.
Molecular consequence: missense variant. On other transcripts: intron variant (1).
Genome position (GRCh38, 1-based): chr3:30,672,120, C>G. VCF-style: chr3-30672120-C-G. GRCh37 (hg19) VCF-style: chr3-30713612-C-G.
Other names: c.1012C>G, p.Arg338Gly (NM_001024847.3); c.1120C>G, p.Arg374Gly (NM_001407126.1); c.1045C>G, p.Arg349Gly (NM_001407127.1); c.964C>G, p.Arg322Gly (NM_001407128.1); c.940C>G, p.Arg314Gly (NM_001407129.1); c.937C>G, p.Arg313Gly (NM_001407130.1); c.832C>G, p.Arg278Gly (NM_001407132.1, NM_001407133.1, NM_001407134.1 and 2 more transcripts); c.652C>G, p.Arg218Gly (NM_001407137.1); and 2 more; short protein forms R314G, R322G, R349G, R374G, R218G, R313G, R338G, R193G.
Identifiers: ClinVar variation 2774577 (VCV002774577.2), dbSNP rs55751315, ClinGen allele CA351808206.
Genomic context (GRCh38, chr3:30,672,120, plus strand): 5'-ATCTTCTCAGACATCAATCTGAAGCATGAGAACATACTCCAGTTCCTGACGGCTGAGGAG[C>G]GGAAGACGGAGTTGGGGAAACAATACTGGCTGATCACCGCCTTCCACGCCAAGGGCAACC-3'
Protein context (NP_003233.4, residues 303-323): NILQFLTAEE[Arg313Gly]KTELGKQYWL